The following is an entry in ClinVar:

ClinVar aggregate classification (germline): Benign/Likely benign. Review status: criteria provided, multiple submitters, no conflicts (2 of 4 stars). 8 submissions from 8 submitters: Benign (1); Likely benign (4). 3 of the submissions do not count toward it. Last evaluated 2026-06-01.

Conditions:
Neurodevelopmental disorder with or without early-onset generalized epilepsy. Identifiers: MedGen C5436914, MONDO:0030930, OMIM 619157.

Allele frequency attached by ClinVar (database versions not stated): gnomAD 0.00234; ESP Exome Variant Server 0.00290; TOPMed 0.00304.
gnomAD v4.1: 4,925 of 1,613,334 alleles (0.31%); highest among the groups gnomAD compares: Non-Finnish European, 0.36%; 10 homozygotes.

Submissions (8):

CeGaT Center for Human Genetics Tuebingen
Classification: Likely benign. Last evaluated: 2026-06-01. Review status: criteria provided, single submitter. Criteria: CeGaT Center For Human Genetics Tuebingen Variant Classification Criteria Version 2. Collection method: clinical testing. Allele origin: germline. Affected: yes. Observed: 18 variant alleles.
Comment: NBEA: BP4, BP7, BS1

Blueprint Genetics
Classification: Likely benign. Last evaluated: 2024-11-21. Review status: criteria provided, single submitter. Criteria: ACMG Guidelines, 2015. Collection method: clinical testing. Allele origin: germline.

Mayo Clinic Laboratories, Mayo Clinic
Classification: Likely benign. Last evaluated: 2024-06-27. Review status: criteria provided, single submitter. Criteria: ACMG Guidelines, 2015. Collection method: clinical testing. Allele origin: germline. Observed: 4 variant alleles.
Comment: BS1, BP4, BP7

Fulgent Genetics
Classification: Likely benign for Neurodevelopmental disorder with or without early-onset generalized epilepsy. Last evaluated: 2021-12-23. Review status: criteria provided, single submitter. Criteria: ACMG Guidelines, 2015. Collection method: clinical testing. Allele origin: unknown.

Labcorp Genetics (formerly Invitae), Labcorp
Classification: Benign. Last evaluated: 2019-12-31. Review status: criteria provided, single submitter. Criteria: Invitae Variant Classification Sherloc (09022015). Collection method: clinical testing. Allele origin: germline.

Diagnostic Laboratory, Department of Genetics, University Medical Center Groningen
Classification: Likely benign. Review status: no assertion criteria provided. Collection method: clinical testing. Allele origin: germline. Affected: yes. Study: VKGL Data-share Consensus. Not counted in ClinVar's aggregate classification.

Genome Diagnostics Laboratory, University Medical Center Utrecht
Classification: Likely benign. Review status: no assertion criteria provided. Collection method: clinical testing. Allele origin: germline. Affected: yes. Study: VKGL Data-share Consensus. Not counted in ClinVar's aggregate classification.

Joint Genome Diagnostic Labs from Nijmegen and Maastricht, Radboudumc and MUMC+
Classification: Likely benign. Review status: no assertion criteria provided. Collection method: clinical testing. Allele origin: germline. Affected: yes. Study: VKGL Data-share Consensus. Not counted in ClinVar's aggregate classification.

NM_001385012.1(NBEA):c.282G>A (p.Thr94=)

Gene: NBEA (neurobeachin; plus strand). Cytogenetic location: 13q13.3.
Variant type: single nucleotide variant.
Coding change: c.282G>A on transcript NM_001385012.1 (MANE Select); coding-DNA position 282, G replaced by A.
Protein change: p.Thr94=; no amino-acid change (threonine 94 retained).
Molecular consequence: synonymous variant.
Genome position (GRCh38, 1-based): chr13:34,943,102, G>A. VCF-style: chr13-34943102-G-A. GRCh37 (hg19) VCF-style: chr13-35517239-G-A.
Other names: p.Thr94=; c.282G>A, p.Thr94= (NM_001379245.1, NM_015678.5).
Identifiers: ClinVar variation 771753 (VCV000771753.40), dbSNP rs201561325, ClinGen allele CA6946030.